The following is an entry in ClinVar:

NM_004260.4(RECQL4):c.2990G>A (p.Gly997Asp)

Gene: RECQL4 (RecQ like helicase 4; minus strand). Cytogenetic location: 8q24.3.
Variant type: single nucleotide variant.
Coding change: c.2990G>A on transcript NM_004260.4 (MANE Select); coding-DNA position 2990, G replaced by A.
Protein change: p.Gly997Asp; replaces glycine 997 with aspartic acid.
Molecular consequence: missense variant. On other transcripts: non-coding transcript variant (3).
Genome position (GRCh38, 1-based): chr8:144,512,457, C>T on the plus strand (G>A on the coding strand, the complement: RECQL4 is on the minus strand). VCF-style: chr8-144512457-C-T. GRCh37 (hg19) VCF-style: chr8-145737840-C-T.
Other names: c.2696G>A, p.Gly899Asp (NM_001413017.1); c.2792G>A, p.Gly931Asp (NM_001413018.1); c.3065G>A, p.Gly1022Asp (NM_001413019.1); c.2894G>A, p.Gly965Asp (NM_001413020.1); c.1919G>A, p.Gly640Asp (NM_001413021.1, NM_001413022.1, NM_001413024.1 and 4 more transcripts); c.1994G>A, p.Gly665Asp (NM_001413023.1); c.2861G>A, p.Gly954Asp (NM_001413025.1); c.1853G>A, p.Gly618Asp (NM_001413027.1, NM_001413030.1, NM_001413032.1); and 9 more; short protein forms G640D, G880D, G596D, G630D, G931D, G997D, G1022D, G574D.
Identifiers: ClinVar variation 3944258 (VCV003944258.1).

ClinVar aggregate classification (germline): Uncertain significance (1 of 4 stars; one submission).

Conditions:
Inborn genetic diseases. Identifiers: MedGen C0950123, MeSH D030342.

Submission:

Ambry Genetics
Classification: Uncertain significance for Inborn genetic diseases. Last evaluated: 2025-03-31. Review status: criteria provided, single submitter. Criteria: Ambry Variant Classification Scheme 2023. Collection method: clinical testing. Allele origin: germline.
Comment: The p.G997D variant (also known as c.2990G>A), located in coding exon 17 of the RECQL4 gene, results from a G to A substitution at nucleotide position 2990. The glycine at codon 997 is replaced by aspartic acid, an amino acid with similar properties. This amino acid position is conserved. In addition, this alteration is predicted to be deleterious by in silico analysis. Based on the available evidence, the clinical significance of this variant remains unclear.